The following is an entry in ClinVar:

NM_001379291.1(BRD4):c.3055C>T (p.Pro1019Ser)

Gene: BRD4 (bromodomain containing 4; minus strand). Cytogenetic location: 19p13.12.
Variant type: single nucleotide variant.
Coding change: c.3055C>T on transcript NM_001379291.1 (MANE Select); coding-DNA position 3055, C replaced by T.
Protein change: p.Pro1019Ser; replaces proline 1019 with serine.
Molecular consequence: missense variant.
Genome position (GRCh38, 1-based): chr19:15,243,014, G>A on the plus strand (C>T on the coding strand, the complement: BRD4 is on the minus strand). VCF-style: chr19-15243014-G-A. GRCh37 (hg19) VCF-style: chr19-15353825-G-A.
Other names: c.3055C>T, p.Pro1019Ser (NM_058243.3); short protein forms P1019S.
Identifiers: ClinVar variation 1973682 (VCV001973682.5), dbSNP rs777289654, ClinGen allele CA9264828.

ClinVar aggregate classification (germline): Uncertain significance (1 of 4 stars; one submission).

Allele frequency attached by ClinVar (database versions not stated): TOPMed 0.00003; gnomAD 0.00001; ExAC 0.00005.
gnomAD v4.1: 35 of 1,475,950 alleles (0.0024%); highest among the groups gnomAD compares: Non-Finnish European, 0.0028%; no homozygotes.

Submission:

Labcorp Genetics (formerly Invitae), Labcorp
Classification: Uncertain significance. Last evaluated: 2025-03-16. Review status: criteria provided, single submitter. Criteria: Invitae Variant Classification Sherloc (09022015). Collection method: clinical testing. Allele origin: germline.
Comment: This sequence change replaces proline, which is neutral and non-polar, with serine, which is neutral and polar, at codon 1019 of the BRD4 protein (p.Pro1019Ser). This variant is present in population databases (rs777289654, gnomAD 0.03%). This variant has not been reported in the literature in individuals affected with BRD4-related conditions. ClinVar contains an entry for this variant (Variation ID: 1973682). An algorithm developed to predict the effect of missense changes on protein structure and function (PolyPhen-2) suggests that this variant is likely to be disruptive. In summary, the available evidence is currently insufficient to determine the role of this variant in disease. Therefore, it has been classified as a Variant of Uncertain Significance.